The following is an entry in ClinVar:

NM_000287.4(PEX6):c.689_690del (p.Glu230fs)

Gene: PEX6 (peroxisomal biogenesis factor 6; minus strand). Cytogenetic location: 6p21.1.
Variant type: Microsatellite.
Coding change: c.689_690del on transcript NM_000287.4 (MANE Select); coding-DNA positions 689 to 690, 2 bases deleted (AG; older notation c.689_690delAG).
Protein change: p.Glu230fs; shifts the reading frame from glutamic acid 230.
Molecular consequence: frameshift variant. On other transcripts: non-coding transcript variant (1), intron variant (1).
Genome position (GRCh38, 1-based): chr6:42,978,461-42,978,462, CT deleted on the plus strand (AG on the coding strand, the reverse complement: PEX6 is on the minus strand); deleting any 2 consecutive bases within chr6:42,978,461-42,978,466 gives the same sequence; the c. name uses the placement nearest the transcript's 3' end. VCF-style (leftmost placement, unchanged base first): chr6-42978460-ACT-A. GRCh37 (hg19) VCF-style: chr6-42946198-ACT-A.
Other names: c.618+67AG[2] (NM_001316313.2); short protein forms E230fs.
Identifiers: ClinVar variation 1451675 (VCV001451675.9), dbSNP rs398123305, ClinGen allele CA2580614886.

ClinVar aggregate classification (germline): Pathogenic. Review status: criteria provided, multiple submitters, no conflicts (2 of 4 stars). 2 submissions from 2 submitters: Pathogenic (2). Last evaluated 2022-12-17.

Conditions:
Heimler syndrome 2 (HMLR2). Also called: PEROXISOME BIOGENESIS DISORDER 4C. Identifiers: Orphanet 3220, MedGen C4225267, OMIM 616617, MONDO:0014709.
Peroxisome biogenesis disorder. Identifiers: Orphanet 79189, MedGen C1832200, MONDO:0019234. Disease mechanism: loss of function.

Submissions (2):

Labcorp Genetics (formerly Invitae), Labcorp
Classification: Pathogenic for Peroxisome biogenesis disorder. Last evaluated: 2022-12-17. Review status: criteria provided, single submitter. Criteria: Invitae Variant Classification Sherloc (09022015). Collection method: clinical testing. Allele origin: germline.
Comment: This sequence change creates a premature translational stop signal (p.Glu230Valfs*11) in the PEX6 gene. It is expected to result in an absent or disrupted protein product. Loss-of-function variants in PEX6 are known to be pathogenic (PMID: 8670792, 19877282, 21031596). This variant is not present in population databases (gnomAD no frequency). This premature translational stop signal has been observed in individual(s) with PEX6-related conditions (PMID: 19877282). For these reasons, this variant has been classified as Pathogenic.

Baylor Genetics
Classification: Pathogenic for Heimler syndrome 2. Last evaluated: 2022-07-07. Review status: criteria provided, single submitter. Criteria: ACMG Guidelines, 2015. Collection method: clinical testing. Allele origin: unknown.

Literature cited by the submitters: PubMed 8670792 (cited by Labcorp Genetics (formerly Invitae), Labcorp); PubMed 19877282 (cited by Labcorp Genetics (formerly Invitae), Labcorp); PubMed 21031596 (cited by Labcorp Genetics (formerly Invitae), Labcorp).